The following is an entry in ClinVar:

NM_000082.4(ERCC8):c.78-128G>A

Gene: ERCC8 (ERCC excision repair 8, CSA ubiquitin ligase complex subunit; minus strand). Cytogenetic location: 5q12.1.
Variant type: single nucleotide variant.
Coding change: c.78-128G>A on transcript NM_000082.4 (MANE Select); 128 bases into the intron before coding-DNA position 78, G replaced by A.
Molecular consequence: intron variant.
Genome position (GRCh38, 1-based): chr5:60,929,087, C>T on the plus strand (G>A on the coding strand, the complement: ERCC8 is on the minus strand). VCF-style: chr5-60929087-C-T. GRCh37 (hg19) VCF-style: chr5-60224914-C-T.
Other names: c.-300-128G>A (NM_001290285.2); c.-315-128G>A (NM_001007233.3); c.78-128G>A (NM_001007234.3).
Identifiers: ClinVar variation 1252261 (VCV001252261.3), dbSNP rs158570, ClinGen allele CA16228930.

ClinVar aggregate classification (germline): Benign. Review status: criteria provided, multiple submitters, no conflicts (2 of 4 stars). 2 submissions from 2 submitters: Benign (2). Last evaluated 2025-10-13.

Allele frequency attached by ClinVar (database versions not stated): TOPMed 0.56756; 1000 Genomes Project 30x 0.61774; 1000 Genomes Project 0.62640.
gnomAD v4.1: 395,070 of 636,550 alleles (62%); highest among the groups gnomAD compares: East Asian, 95%; 126,378 homozygotes.

Submissions (2):

Women's Health and Genetics/Laboratory Corporation of America, LabCorp
Classification: Benign. Last evaluated: 2025-10-13. Review status: criteria provided, single submitter. Criteria: LabCorp Variant Classification Summary - May 2015. Collection method: clinical testing. Allele origin: germline.
Comment: Variant summary: ERCC8 c.78-128G>A is located at a position not widely known to affect splicing. The variant allele was found at a frequency of 0.62 in 636550 control chromosomes, predominantly at a frequency of 0.95 within the East Asian subpopulation in the gnomAD database, including 16212 homozygotes. The observed variant frequency within East Asian control individuals in the gnomAD database exceeds the estimated maximal expected allele frequency for disease-causing variants in ERCC8. To our knowledge, no occurrence of c.78-128G>A in individuals affected with ERCC8-related conditions and no experimental evidence demonstrating its impact on protein function have been reported. ClinVar contains an entry for this variant (Variation ID: 1252261). Based on the evidence outlined above, the variant was classified as benign.

GeneDx
Classification: Benign. Last evaluated: 2018-07-09. Review status: criteria provided, single submitter. Criteria: GeneDx Variant Classification Process June 2021. Collection method: clinical testing. Allele origin: germline. Affected: yes.